The following is an entry in ClinVar:

ClinVar aggregate classification (germline): Uncertain significance (1 of 4 stars; one submission).

Conditions:
Inborn genetic diseases. Identifiers: MedGen C0950123, MeSH D030342.

Submission:

Ambry Genetics
Classification: Uncertain significance for Inborn genetic diseases. Last evaluated: 2026-04-02. Review status: criteria provided, single submitter. Criteria: Ambry Variant Classification Scheme 2023. Collection method: clinical testing. Allele origin: germline.
Comment: The p.V295I variant (also known as c.883G>A), located in coding exon 5 of the ERCC6L2 gene, results from a G to A substitution at nucleotide position 883. The valine at codon 295 is replaced by isoleucine, an amino acid with highly similar properties. This amino acid position is conserved. In addition, the in silico prediction for this alteration is inconclusive. Based on the available evidence, the clinical significance of this variant remains unclear.

NM_020207.7(ERCC6L2):c.883G>A (p.Val295Ile)

Gene: ERCC6L2 (ERCC excision repair 6 like 2; plus strand). Cytogenetic location: 9q22.32.
Variant type: single nucleotide variant.
Coding change: c.883G>A on transcript NM_020207.7 (MANE Select); coding-DNA position 883, G replaced by A.
Protein change: p.Val295Ile; replaces valine 295 with isoleucine.
Molecular consequence: missense variant. On other transcripts: non-coding transcript variant (1).
Genome position (GRCh38, 1-based): chr9:95,915,762, G>A. VCF-style: chr9-95915762-G-A. GRCh37 (hg19) VCF-style: chr9-98678044-G-A.
Other names: c.883G>A, p.Val295Ile (NM_001010895.4, NM_001375291.1, NM_001375292.1 and 2 more transcripts); short protein forms V295I.
Identifiers: ClinVar variation 4870581 (VCV004870581.1).